The following is an entry in ClinVar:

ClinVar aggregate classification (germline): Uncertain significance. Review status: criteria provided, multiple submitters, no conflicts (2 of 4 stars). 2 submissions from 2 submitters: Uncertain significance (2). Last evaluated 2025-02-19.

Conditions:
Inborn genetic diseases. Identifiers: MedGen C0950123, MeSH D030342.

Allele frequency attached by ClinVar (database versions not stated): ExAC 0.00002; gnomAD exomes 0.00002 and 0.00003; TOPMed 0.00002; gnomAD 0.00003.
gnomAD v4.1: 46 of 1,612,538 alleles (0.0029%); highest among the groups gnomAD compares: Non-Finnish European, 0.0036%; no homozygotes.

Submissions (2):

Labcorp Genetics (formerly Invitae), Labcorp
Classification: Uncertain significance. Last evaluated: 2025-02-19. Review status: criteria provided, single submitter. Criteria: Invitae Variant Classification Sherloc (09022015). Collection method: clinical testing. Allele origin: germline.
Comment: This sequence change replaces threonine, which is neutral and polar, with methionine, which is neutral and non-polar, at codon 530 of the LBR protein (p.Thr530Met). This variant is present in population databases (rs748116336, gnomAD 0.003%). This variant has not been reported in the literature in individuals affected with LBR-related conditions. ClinVar contains an entry for this variant (Variation ID: 1510242). Invitae Evidence Modeling of protein sequence and biophysical properties (such as structural, functional, and spatial information, amino acid conservation, physicochemical variation, residue mobility, and thermodynamic stability) has been performed for this missense variant. However, the output from this modeling did not meet the statistical confidence thresholds required to predict the impact of this variant on LBR protein function. In summary, the available evidence is currently insufficient to determine the role of this variant in disease. Therefore, it has been classified as a Variant of Uncertain Significance.

Ambry Genetics
Classification: Uncertain significance for Inborn genetic diseases. Last evaluated: 2024-12-17. Review status: criteria provided, single submitter. Criteria: Ambry Variant Classification Scheme 2023. Collection method: clinical testing. Allele origin: germline.

NM_002296.4(LBR):c.1589C>T (p.Thr530Met)

Gene: LBR (lamin B receptor; minus strand). Cytogenetic location: 1q42.12.
Variant type: single nucleotide variant.
Coding change: c.1589C>T on transcript NM_002296.4 (MANE Select); coding-DNA position 1589, C replaced by T.
Protein change: p.Thr530Met; replaces threonine 530 with methionine.
Molecular consequence: missense variant.
Genome position (GRCh38, 1-based): chr1:225,404,502, G>A on the plus strand (C>T on the coding strand, the complement: LBR is on the minus strand). VCF-style: chr1-225404502-G-A. GRCh37 (hg19) VCF-style: chr1-225592204-G-A.
Other names: c.1589C>T, p.Thr530Met (NM_194442.3); c.1589C>T (NM_002296.3); short protein forms T530M.
Identifiers: ClinVar variation 1510242 (VCV001510242.9), dbSNP rs748116336, ClinGen allele CA1417081.